The following is an entry in ClinVar:

ClinVar aggregate classification (germline): Uncertain significance (1 of 4 stars; one submission).

gnomAD v4.1: 1 of 1,613,698 alleles (0.000062%); highest among the groups gnomAD compares: Admixed American, 0.0017%; no homozygotes.

Submission:

Women's Health and Genetics/Laboratory Corporation of America, LabCorp
Classification: Uncertain significance. Last evaluated: 2024-07-03. Review status: criteria provided, single submitter. Criteria: LabCorp Variant Classification Summary - May 2015. Collection method: clinical testing. Allele origin: germline.
Comment: Variant summary: ITGA2B c.1718G>A (p.Ser573Asn) results in a conservative amino acid change located in the Integrin alpha, first immunoglubulin-like domain (IPR013649) of the encoded protein sequence. Five of five in-silico tools predict a benign effect of the variant on protein function. The variant was absent in 250572 control chromosomes. The available data on variant occurrences in the general population are insufficient to allow any conclusion about variant significance. To our knowledge, no occurrence of c.1718G>A in individuals affected with ITGA2B-Related Disorders and no experimental evidence demonstrating its impact on protein function have been reported. No submitters have cited clinical-significance assessments for this variant to ClinVar. Based on the evidence outlined above, the variant was classified as uncertain significance.

NM_000419.5(ITGA2B):c.1718G>A (p.Ser573Asn)

Gene: ITGA2B (integrin subunit alpha 2b; minus strand). Cytogenetic location: 17q21.31.
Variant type: single nucleotide variant.
Coding change: c.1718G>A on transcript NM_000419.5 (MANE Select); coding-DNA position 1718, G replaced by A.
Protein change: p.Ser573Asn; replaces serine 573 with asparagine.
Molecular consequence: missense variant.
Genome position (GRCh38, 1-based): chr17:44,380,036, C>T on the plus strand (G>A on the coding strand, the complement: ITGA2B is on the minus strand). VCF-style: chr17-44380036-C-T. GRCh37 (hg19) VCF-style: chr17-42457404-C-T.
Other names: short protein forms S573N.
Identifiers: ClinVar variation 3339155 (VCV003339155.1).